The following is an entry in ClinVar:

ClinVar aggregate classification (germline): Uncertain significance (1 of 4 stars; one submission).

gnomAD v4.1: 17 of 1,611,472 alleles (0.0011%); highest among the groups gnomAD compares: Non-Finnish European, 0.0014%; no homozygotes.

Submission:

Labcorp Genetics (formerly Invitae), Labcorp
Classification: Uncertain significance. Last evaluated: 2024-03-24. Review status: criteria provided, single submitter. Criteria: Invitae Variant Classification Sherloc (09022015). Collection method: clinical testing. Allele origin: germline.
Comment: This sequence change replaces alanine, which is neutral and non-polar, with threonine, which is neutral and polar, at codon 433 of the DIAPH3 protein (p.Ala433Thr). This variant is present in population databases (no rsID available, gnomAD 0.0009%). This variant has not been reported in the literature in individuals affected with DIAPH3-related conditions. An algorithm developed to predict the effect of missense changes on protein structure and function (PolyPhen-2) suggests that this variant is likely to be disruptive. In summary, the available evidence is currently insufficient to determine the role of this variant in disease. Therefore, it has been classified as a Variant of Uncertain Significance.

NM_001042517.2(DIAPH3):c.1297G>A (p.Ala433Thr)

Gene: DIAPH3 (diaphanous related formin 3; minus strand). Cytogenetic location: 13q21.2.
Variant type: single nucleotide variant.
Coding change: c.1297G>A on transcript NM_001042517.2 (MANE Select); coding-DNA position 1297, G replaced by A.
Protein change: p.Ala433Thr; replaces alanine 433 with threonine.
Molecular consequence: missense variant.
Genome position (GRCh38, 1-based): chr13:59,991,222, C>T on the plus strand (G>A on the coding strand, the complement: DIAPH3 is on the minus strand). VCF-style: chr13-59991222-C-T. GRCh37 (hg19) VCF-style: chr13-60565356-C-T.
Other names: c.1264G>A, p.Ala422Thr (NM_001258366.2); c.1159G>A, p.Ala387Thr (NM_001258367.2); c.1087G>A, p.Ala363Thr (NM_001258368.2); c.1297G>A, p.Ala433Thr (NM_001258369.2); c.508G>A, p.Ala170Thr (NM_001258370.2, NM_030932.4); short protein forms A363T, A433T, A170T, A387T, A422T.
Identifiers: ClinVar variation 3727714 (VCV003727714.2).